The following is an entry in ClinVar:

ClinVar aggregate classification (germline): Likely benign. Review status: criteria provided, single submitter (1 of 4 stars). 2 submissions from 2 submitters: Likely benign (1). 1 of the submissions does not count toward it. Last evaluated 2023-03-20.

Conditions:
TNRC6B-related disorder. Also called: TNRC6B-related condition.
Inborn genetic diseases. Identifiers: MedGen C0950123, MeSH D030342.

Allele frequency attached by ClinVar (database versions not stated): gnomAD exomes 0.00003; ExAC 0.00008; gnomAD 0.00026; TOPMed 0.00033; ESP Exome Variant Server 0.00041.
gnomAD v4.1: 89 of 1,613,784 alleles (0.0055%); highest among the groups gnomAD compares: African/African-American, 0.1%; no homozygotes.

Submissions (2):

Ambry Genetics
Classification: Likely benign for Inborn genetic diseases. Last evaluated: 2023-03-20. Review status: criteria provided, single submitter. Criteria: Ambry Variant Classification Scheme 2023. Collection method: clinical testing. Allele origin: germline.

PreventionGenetics, part of Exact Sciences
Classification: Likely benign for TNRC6B-related condition. Last evaluated: 2022-10-27. Review status: no assertion criteria provided. Collection method: clinical testing. Allele origin: germline. Not counted in ClinVar's aggregate classification.
Comment: This variant is classified as likely benign based on ACMG/AMP sequence variant interpretation guidelines (Richards et al. 2015 PMID: 25741868, with internal and published modifications).

NM_001162501.2(TNRC6B):c.1612T>C (p.Trp538Arg)

Gene: TNRC6B (trinucleotide repeat containing adaptor 6B; plus strand). Cytogenetic location: 22q13.1.
Variant type: single nucleotide variant.
Coding change: c.1612T>C on transcript NM_001162501.2 (MANE Select); coding-DNA position 1612, T replaced by C.
Protein change: p.Trp538Arg; replaces tryptophan 538 with arginine.
Molecular consequence: missense variant. On other transcripts: intron variant (1).
Genome position (GRCh38, 1-based): chr22:40,265,842, T>C. VCF-style: chr22-40265842-T-C. GRCh37 (hg19) VCF-style: chr22-40661846-T-C.
Other names: c.1612T>C, p.Trp538Arg (NM_015088.3); c.565+3669T>C (NM_001024843.2); short protein forms W538R.
Identifiers: ClinVar variation 2509022 (VCV002509022.4), dbSNP rs372228259, ClinGen allele CA10246722.